The following is an entry in ClinVar:

ClinVar aggregate classification (germline): Pathogenic (1 of 4 stars; one submission).

Conditions:
KBG syndrome (KBGS). Also called: ANKRD11-Related KBG Syndrome. Identifiers: Orphanet 2332, MedGen C0220687, MONDO:0007846, OMIM 148050.

Submission:

Labcorp Genetics (formerly Invitae), Labcorp
Classification: Pathogenic for KBG syndrome. Last evaluated: 2025-09-14. Review status: criteria provided, single submitter. Criteria: Invitae Variant Classification Sherloc (09022015). Collection method: clinical testing. Allele origin: germline.
Comment: This sequence change creates a premature translational stop signal (p.Ser2051*) in the ANKRD11 gene. It is expected to result in an absent or disrupted protein product. Loss-of-function variants in ANKRD11 are known to be pathogenic (PMID: 21782149, 25125236, 25413698, 25652421). This variant is not present in population databases (gnomAD no frequency). This variant has not been reported in the literature in individuals affected with ANKRD11-related conditions. For these reasons, this variant has been classified as Pathogenic.

Literature cited by the submitters: PubMed 21782149; PubMed 25125236; PubMed 25413698; PubMed 25652421.

NM_013275.6(ANKRD11):c.6152del (p.Thr2050_Ser2051insTer)

Gene: ANKRD11 (ankyrin repeat domain 11; minus strand). Cytogenetic location: 16q24.3.
Variant type: Deletion.
Coding change: c.6152del on transcript NM_013275.6 (MANE Select); coding-DNA position 6152, one base deleted (C; older notation c.6152delC).
Protein change: p.Thr2050_Ser2051insTer.
Molecular consequence: nonsense.
Genome position (GRCh38, 1-based): chr16:89,280,390, G deleted on the plus strand (C on the coding strand, the reverse complement: ANKRD11 is on the minus strand). VCF-style (leftmost placement, unchanged base first): chr16-89280389-TG-T. GRCh37 (hg19) VCF-style: chr16-89346797-TG-T.
Other names: c.6152del, p.Thr2050_Ser2051insTer (NM_001256182.2, NM_001256183.2).
Identifiers: ClinVar variation 4727187 (VCV004727187.1).